The following is an entry in ClinVar:

NM_000179.3(MSH6):c.606AGA[1] (p.Glu207del)

Gene: MSH6 (mutS homolog 6; plus strand). Cytogenetic location: 2p16.3.
Variant type: Microsatellite.
Coding change: c.606AGA[1] on transcript NM_000179.3 (MANE Select); one copy of the 3-base unit AGA starting at c.606; the reference has two copies in a row; one copy, 3 bases deleted.
Protein change: p.Glu207del; deletes glutamic acid 207.
Molecular consequence: inframe deletion. On other transcripts: inframe indel (31), 5 prime UTR variant (1), intron variant (2).
Genome position (GRCh38, 1-based): chr2:47,796,045-47,796,047, AGA deleted; deleting any 3 consecutive bases within chr2:47,796,042-47,796,047 gives the same sequence; the position shown is the placement nearest the transcript's 3' end. VCF-style (leftmost placement, unchanged base first): chr2-47796041-CAGA-C. GRCh37 (hg19) VCF-style: chr2-48023180-CAGA-C.
Other names: c.606_608AGA[1], p.Glu207del (NM_000179.2, NM_001406796.1, NM_001406798.1 and 6 more transcripts); c.-297AGA[1] (NM_001281494.2); c.702_704AGA[1], p.Glu239del (NM_001406795.1, NM_001406802.1); c.309_311AGA[1], p.Glu108del (NM_001406797.1, NM_001406801.1, NM_001406818.1 and 10 more transcripts); c.81_83AGA[1], p.Glu32del (NM_001406799.1, NM_001406806.1, NM_001406807.1); c.438_440AGA[1], p.Glu151del (NM_001406826.1); c.528_530AGA[1], p.Glu181del (NM_001406804.1); c.612_614AGA[1], p.Glu209del (NM_001406813.1); and 4 more; short protein forms E151del, E181del, E207del, E239del, E32del, E108del, E209del.
Identifiers: ClinVar variation 1751506 (VCV001751506.3), dbSNP rs2530523764, ClinGen allele CA2580611294.
Genomic context (GRCh38, chr2:47,796,041, plus strand): 5'-CCTTAAATAAAGACAAGATTAAGAGGCTTGAATTGGCAGTTTGTGATGAGCCCTCAGAGC[CAGA>C]AGAGGAAGAAGAGATGGAGGTGGGACACGGCAAGCATTCAGTTGTTATTTATGTTAGGGT-3'

ClinVar aggregate classification (germline): Uncertain significance (1 of 4 stars; one submission).

Conditions:
Hereditary cancer-predisposing syndrome. Also called: Tumor predisposition; Hereditary Cancer Syndrome; Hereditary neoplastic syndrome; Neoplastic Syndromes, Hereditary. Identifiers: Orphanet 140162, MedGen C0027672, MeSH D009386, MONDO:0015356.

Submission:

Ambry Genetics
Classification: Uncertain significance for Hereditary cancer-predisposing syndrome. Last evaluated: 2025-12-15. Review status: criteria provided, single submitter. Criteria: Ambry Variant Classification Scheme 2023. Collection method: clinical testing. Allele origin: germline.
Comment: The c.609_611delAGA variant (also known as p.E207del) is located in coding exon 3 of the MSH6 gene. This variant results from an in-frame AGA deletion at nucleotide positions 609 to 611. This results in the in-frame deletion of a glutamic acid at codon 207. This amino acid position is highly conserved in available vertebrate species. In addition, this alteration is predicted to be neutral by in silico analysis (Choi Y et al. PLoS ONE. 2012; 7(10):e46688). Based on the available evidence, the clinical significance of this variant remains unclear.